The following is an entry in ClinVar:

ClinVar aggregate classification (germline): Uncertain significance (1 of 4 stars; one submission).

Conditions:
COG1 congenital disorder of glycosylation (CDG2G). Also called: CONGENITAL DISORDER OF GLYCOSYLATION, TYPE IIg; CDG IIg; CDGII/COG1 CEREBROCOSTOMANDIBULAR-LIKE SYNDROME. Identifiers: Orphanet 263508, MedGen C2931011, MONDO:0012637, OMIM 611209.

Allele frequency attached by ClinVar (database versions not stated): ExAC 0.00001; gnomAD exomes 0.00001.
gnomAD v4.1: 8 of 1,614,176 alleles (0.0005%); highest among the groups gnomAD compares: Non-Finnish European, 0.00068%; no homozygotes.

Submission:

Labcorp Genetics (formerly Invitae), Labcorp
Classification: Uncertain significance for COG1 congenital disorder of glycosylation. Last evaluated: 2022-05-27. Review status: criteria provided, single submitter. Criteria: Invitae Variant Classification Sherloc (09022015). Collection method: clinical testing. Allele origin: germline.
Comment: Algorithms developed to predict the effect of missense changes on protein structure and function output the following: SIFT: "Tolerated"; PolyPhen-2: "Benign"; Align-GVGD: "Class C0". The serine amino acid residue is found in multiple mammalian species, which suggests that this missense change does not adversely affect protein function. This variant has not been reported in the literature in individuals affected with COG1-related conditions. This variant is present in population databases (rs746201377, gnomAD 0.0009%). This sequence change replaces alanine, which is neutral and non-polar, with serine, which is neutral and polar, at codon 665 of the COG1 protein (p.Ala665Ser). In summary, the available evidence is currently insufficient to determine the role of this variant in disease. Therefore, it has been classified as a Variant of Uncertain Significance.

NM_018714.3(COG1):c.1993G>T (p.Ala665Ser)

Gene: COG1 (component of oligomeric golgi complex 1; plus strand). Cytogenetic location: 17q25.1.
Variant type: single nucleotide variant.
Coding change: c.1993G>T on transcript NM_018714.3 (MANE Select); coding-DNA position 1993, G replaced by T.
Protein change: p.Ala665Ser; replaces alanine 665 with serine.
Molecular consequence: missense variant.
Genome position (GRCh38, 1-based): chr17:73,201,820, G>T. VCF-style: chr17-73201820-G-T. GRCh37 (hg19) VCF-style: chr17-71197959-G-T.
Other names: short protein forms A665S.
Identifiers: ClinVar variation 1990916 (VCV001990916.2), dbSNP rs746201377, ClinGen allele CA8740326.